The following is an entry in ClinVar:

ClinVar aggregate classification (germline): Likely benign. Review status: criteria provided, multiple submitters, no conflicts (2 of 4 stars). 2 submissions from 2 submitters: Likely benign (2). Last evaluated 2025-10-27.

Conditions:
Juvenile polyposis/hereditary hemorrhagic telangiectasia syndrome (JPHT). Also called: JP/HHT SYNDROME; JUVENILE POLYPOSIS WITH HEREDITARY HEMORRHAGIC TELANGIECTASIA; POLYPOSIS, GENERALIZED JUVENILE, WITH PULMONARY ARTERIOVENOUS MALFORMATION; TELANGIECTASIA, HEREDITARY HEMORRHAGIC, WITH JUVENILE POLYPOSIS COLI; Juvenile Polyposis Syndrome / Hereditary Hemorrhagic Telangiectasia (JPS/HHT). Identifiers: Orphanet 2929, MedGen C1832942, MONDO:0008278, OMIM 175050.
Juvenile polyposis syndrome (JPS). Identifiers: Orphanet 2929, MedGen C0345893, MONDO:0017380, OMIM 174900.

Submissions (2):

Labcorp Genetics (formerly Invitae), Labcorp
Classification: Likely benign for Juvenile polyposis syndrome. Last evaluated: 2025-10-27. Review status: criteria provided, single submitter. Criteria: Invitae Variant Classification Sherloc (09022015). Collection method: clinical testing. Allele origin: germline.

Myriad Genetics, Inc.
Classification: Likely benign for Juvenile polyposis/hereditary hemorrhagic telangiectasia syndrome. Last evaluated: 2025-03-24. Review status: criteria provided, single submitter. Criteria: Myriad Autosomal Dominant, Autosomal Recessive and X-Linked Classification Criteria (2023). Collection method: clinical testing. Allele origin: unknown.
Comment: This variant is considered likely benign. This variant is intronic and is not expected to impact mRNA splicing.

NM_005359.6(SMAD4):c.1447+8T>C

Gene: SMAD4 (SMAD family member 4; plus strand). Cytogenetic location: 18q21.2.
Variant type: single nucleotide variant.
Coding change: c.1447+8T>C on transcript NM_005359.6 (MANE Select); 8 bases into the intron after coding-DNA position 1447, T replaced by C.
Molecular consequence: intron variant.
Genome position (GRCh38, 1-based): chr18:51,076,784, T>C. VCF-style: chr18-51076784-T-C. GRCh37 (hg19) VCF-style: chr18-48603154-T-C.
Other names: c.1447+8T>C (NM_001407042.1, NM_001407041.1).
Identifiers: ClinVar variation 3903829 (VCV003903829.2).